The following is an entry in ClinVar:

NM_001163435.3(TBCK):c.2128T>C (p.Tyr710His)

Gene: TBCK (TBC1 domain containing kinase; minus strand). Cytogenetic location: 4q24.
Variant type: single nucleotide variant.
Coding change: c.2128T>C on transcript NM_001163435.3 (MANE Select); coding-DNA position 2128, T replaced by C.
Protein change: p.Tyr710His; replaces tyrosine 710 with histidine.
Molecular consequence: missense variant.
Genome position (GRCh38, 1-based): chr4:106,171,202, A>G on the plus strand (T>C on the coding strand, the complement: TBCK is on the minus strand). VCF-style: chr4-106171202-A-G. GRCh37 (hg19) VCF-style: chr4-107092359-A-G.
Other names: c.2128T>C, p.Tyr710His (NM_001163436.4); c.2011T>C, p.Tyr671His (NM_001163437.3); c.1612T>C, p.Tyr538His (NM_001290768.2); c.1939T>C, p.Tyr647His (NM_033115.5); short protein forms Y671H, Y710H, Y647H, Y538H.
Identifiers: ClinVar variation 1948406 (VCV001948406.3), dbSNP rs780910465, ClinGen allele CA3034792.

ClinVar aggregate classification (germline): Uncertain significance. Review status: criteria provided, multiple submitters, no conflicts (2 of 4 stars). 2 submissions from 2 submitters: Uncertain significance (2). Last evaluated 2022-05-31.

Allele frequency attached by ClinVar (database versions not stated): gnomAD 0.00001; gnomAD exomes 0.00001; TOPMed 0.00001.
gnomAD v4.1: 21 of 1,612,810 alleles (0.0013%); highest among the groups gnomAD compares: Admixed American, 0.0017%; no homozygotes.

Submissions (2):

Labcorp Genetics (formerly Invitae), Labcorp
Classification: Uncertain significance. Last evaluated: 2022-05-31. Review status: criteria provided, single submitter. Criteria: Invitae Variant Classification Sherloc (09022015). Collection method: clinical testing. Allele origin: germline.
Comment: This sequence change replaces tyrosine, which is neutral and polar, with histidine, which is basic and polar, at codon 710 of the TBCK protein (p.Tyr710His). This variant is present in population databases (rs780910465, gnomAD 0.002%). This variant has not been reported in the literature in individuals affected with TBCK-related conditions. Algorithms developed to predict the effect of missense changes on protein structure and function (SIFT, PolyPhen-2, Align-GVGD) all suggest that this variant is likely to be tolerated. In summary, the available evidence is currently insufficient to determine the role of this variant in disease. Therefore, it has been classified as a Variant of Uncertain Significance.

Breakthrough Genomics
Classification: Uncertain significance. Review status: criteria provided, single submitter. Criteria: ACMG Guidelines, 2015. Collection method: not provided. Allele origin: germline. Inheritance: Autosomal recessive inheritance. Affected: yes.